The following is an entry in ClinVar:

NM_001371928.1(AHDC1):c.1890A>G (p.Gly630=)

Gene: AHDC1 (AT-hook DNA binding motif containing 1; minus strand). Cytogenetic location: 1p36.11.
Variant type: single nucleotide variant.
Coding change: c.1890A>G on transcript NM_001371928.1 (MANE Select); coding-DNA position 1890, A replaced by G.
Protein change: p.Gly630=; no amino-acid change (glycine 630 retained).
Molecular consequence: synonymous variant.
Genome position (GRCh38, 1-based): chr1:27,550,226, T>C on the plus strand (A>G on the coding strand, the complement: AHDC1 is on the minus strand). VCF-style: chr1-27550226-T-C. GRCh37 (hg19) VCF-style: chr1-27876737-T-C.
Other names: c.1890A>G, p.Gly630= (NM_001029882.3).
Identifiers: ClinVar variation 4992526 (VCV004992526.1).
Genomic context (GRCh38, chr1:27,550,226, plus strand): 5'-GGGGGCCTGGTGCACCGACTCCGGCTCACTGGGTGTCCAGCAGCGGGGCGGTGAGCACCG[T>C]CCAGCGCACTGGCTCTGGCGGTTCAGGAAGGCCAGCTTGGCCAGGACGTCTGAGTACTCG-3'
Protein context (NP_001358857.1, residues 620-640): AFLNRQSQCA[Gly630=]RCSPPRCWTP

ClinVar aggregate classification (germline): Likely benign (1 of 4 stars; one submission).

Conditions:
AHDC1-related disorder. Also called: AHDC1-related condition.

gnomAD v4.1: 5 of 1,613,532 alleles (0.00031%); highest among the groups gnomAD compares: Non-Finnish European, 0.00042%; no homozygotes.

Submission:

PreventionGenetics, part of Exact Sciences
Classification: Likely benign for AHDC1-related condition. Last evaluated: 2026-05-07. Review status: criteria provided, single submitter. Criteria: ACMG Guidelines, 2015. Collection method: clinical testing. Allele origin: germline.
Comment: This variant is classified as likely benign based on ACMG/AMP sequence variant interpretation guidelines (Richards et al. 2015 PMID: 25741868, with internal and published modifications).